The following is an entry in ClinVar:

NM_006941.4(SOX10):c.839del (p.Glu280fs)

Genes: POLR2F (RNA polymerase II, I and III subunit F; plus strand), SOX10 (SRY-box transcription factor 10; minus strand). Cytogenetic location: 22q13.1.
Variant type: Deletion.
Coding change: c.839del on transcript NM_006941.4 (MANE Select); coding-DNA position 839, one base deleted (A; older notation c.839delA).
Protein change: p.Glu280fs; shifts the reading frame from glutamic acid 280.
Molecular consequence: frameshift variant. On other transcripts: intron variant (3).
Genome position (GRCh38, 1-based): chr22:37,974,057, T deleted on the plus strand (A on the coding strand, the reverse complement: SOX10 is on the minus strand). VCF-style (leftmost placement, unchanged base first): chr22-37974056-CT-C. GRCh37 (hg19) VCF-style: chr22-38370063-CT-C.
Other names: c.*38+1747del (NM_001363825.1); c.293+6887del (NM_001301130.2, NM_001301131.2); short protein forms E280fs.
Identifiers: ClinVar variation 4884828 (VCV004884828.1).

ClinVar aggregate classification (germline): Pathogenic (0 of 4 stars; one submission).

Conditions:
PCWH syndrome. Also called: WAARDENBURG-SHAH SYNDROME, NEUROLOGIC VARIANT. Identifiers: Orphanet 163746, MedGen C1836727, MONDO:0012198, OMIM 609136.

Submission:

Hong-Tao Li Lab, Institute of Brain Science and Brain-inspired Research, Shandong First Medical University & Shandong Academy of Medical Sciences China
Classification: Pathogenic for PCWH syndrome. Review status: no assertion criteria provided. Collection method: research. Allele origin: germline. Inheritance: Autosomal dominant inheritance. Affected: yes. Observed: 1 variant allele, 1 heterozygote.
Comment: Observed in affected individuals from a Pakistani neurodevelopmental-disorder research cohort of 263 individuals. Classification assigned using the ACMG/AMP framework.